The following is an entry in ClinVar:

ClinVar aggregate classification (germline): Likely benign. Review status: criteria provided, single submitter (1 of 4 stars). 2 submissions from 2 submitters: Likely benign (1). 1 of the submissions does not count toward it. Last evaluated 2025-12-19.

Conditions:
FAN1-related disorder. Also called: FAN1-related condition.

Allele frequency attached by ClinVar (database versions not stated): ExAC 0.00007; gnomAD 0.00001; TOPMed 0.00003.
gnomAD v4.1: 95 of 1,613,886 alleles (0.0059%); highest among the groups gnomAD compares: South Asian, 0.02%; no homozygotes.

Submissions (2):

Labcorp Genetics (formerly Invitae), Labcorp
Classification: Likely benign. Last evaluated: 2025-12-19. Review status: criteria provided, single submitter. Criteria: Invitae Variant Classification Sherloc (09022015). Collection method: clinical testing. Allele origin: germline.

PreventionGenetics, part of Exact Sciences
Classification: Likely benign for FAN1-related condition. Last evaluated: 2023-11-27. Review status: no assertion criteria provided. Collection method: clinical testing. Allele origin: germline. Not counted in ClinVar's aggregate classification.
Comment: This variant is classified as likely benign based on ACMG/AMP sequence variant interpretation guidelines (Richards et al. 2015 PMID: 25741868, with internal and published modifications).

NM_014967.5(FAN1):c.279C>T (p.Thr93=)

Gene: FAN1 (FANCD2 and FANCI associated nuclease 1; plus strand). Cytogenetic location: 15q13.3.
Variant type: single nucleotide variant.
Coding change: c.279C>T on transcript NM_014967.5 (MANE Select); coding-DNA position 279, C replaced by T.
Protein change: p.Thr93=; no amino-acid change (threonine 93 retained).
Molecular consequence: synonymous variant.
Genome position (GRCh38, 1-based): chr15:30,904,942, C>T. VCF-style: chr15-30904942-C-T. GRCh37 (hg19) VCF-style: chr15-31197145-C-T.
Other names: c.279C>T, p.Thr93= (NM_001146094.2, NM_001146095.1, NM_001146096.2).
Identifiers: ClinVar variation 3036652 (VCV003036652.4), dbSNP rs749562915, ClinGen allele CA7450021.
Genomic context (GRCh38, chr15:30,904,942, plus strand): 5'-TCCAGGGCAGGTTGGCTTAATAAATTCAAATGTGTCTATGGTAGATTTAACCAGTGTTAC[C>T]TTAGAAGATGTAACACCTAAGAAGTCACCACCACCAAAGACAAATTTAACCCCTGGCCAA-3'
Protein context (NP_055782.3, residues 83-103): NVSMVDLTSV[Thr93=]LEDVTPKKSP